The following is an entry in ClinVar:

NM_004991.4(MECOM):c.2573C>T (p.Pro858Leu)

Gene: MECOM (MDS1 and EVI1 complex locus; minus strand). Cytogenetic location: 3q26.2.
Variant type: single nucleotide variant.
Coding change: c.2573C>T on transcript NM_004991.4 (MANE Select); coding-DNA position 2573, C replaced by T.
Protein change: p.Pro858Leu; replaces proline 858 with leucine.
Molecular consequence: missense variant.
Genome position (GRCh38, 1-based): chr3:169,112,791, G>A on the plus strand (C>T on the coding strand, the complement: MECOM is on the minus strand). VCF-style: chr3-169112791-G-A. GRCh37 (hg19) VCF-style: chr3-168830579-G-A.
Other names: c.2204C>T, p.Pro735Leu (NM_001105077.4); c.2009C>T, p.Pro670Leu (NM_001105078.4, NM_001164000.2, NM_001205194.2 and 4 more transcripts); c.2012C>T, p.Pro671Leu (NM_001163999.2, NM_001366467.2, NM_001366468.2 and 1 more transcripts); c.2573C>T, p.Pro858Leu (NM_001366466.2); c.1601C>T, p.Pro534Leu (NM_001366473.2); c.1037C>T, p.Pro346Leu (NM_001366474.2); short protein forms P671L, P346L, P670L, P735L, P534L, P858L.
Identifiers: ClinVar variation 4105851 (VCV004105851.1).

ClinVar aggregate classification (germline): Uncertain significance (1 of 4 stars; one submission).

Conditions:
Inborn genetic diseases. Identifiers: MedGen C0950123, MeSH D030342.

Submission:

Ambry Genetics
Classification: Uncertain significance for Inborn genetic diseases. Last evaluated: 2025-08-14. Review status: criteria provided, single submitter. Criteria: Ambry Variant Classification Scheme 2023. Collection method: clinical testing. Allele origin: germline.
Comment: The p.P858L variant (also known as c.2573C>T), located in coding exon 9 of the MECOM gene, results from a C to T substitution at nucleotide position 2573. The proline at codon 858 is replaced by leucine, an amino acid with similar properties. This amino acid position is conserved. In addition, the in silico prediction for this alteration is inconclusive. Based on the available evidence, the clinical significance of this variant remains unclear.